The following is an entry in ClinVar:

NM_005633.4(SOS1):c.21C>G (p.Pro7=)

Genes: SOS1 (SOS Ras/Rac guanine nucleotide exchange factor 1; minus strand), LOC129933535 (ATAC-STARR-seq lymphoblastoid silent region 11384; plus strand). Cytogenetic location: 2p22.1.
Variant type: single nucleotide variant.
Coding change: c.21C>G on transcript NM_005633.4 (MANE Select); coding-DNA position 21, C replaced by G.
Protein change: p.Pro7=; no amino-acid change (proline 7 retained).
Molecular consequence: synonymous variant. On other transcripts: intron variant (1).
Genome position (GRCh38, 1-based): chr2:39,120,402, G>C on the plus strand (C>G on the coding strand, the complement: SOS1 is on the minus strand). VCF-style: chr2-39120402-G-C. GRCh37 (hg19) VCF-style: chr2-39347543-G-C.
Other names: c.21C>G, p.Pro7= (NM_001382395.1); c.66+4262C>G (NM_001382394.1).
Identifiers: ClinVar variation 543988 (VCV000543988.13), dbSNP rs727504845, ClinGen allele CA425795993.
Genomic context (GRCh38, chr2:39,120,402, plus strand): 5'-CAGCGCAGGCACCAGTAGTCCCCGCCACTTGGGCGCGTTCTCTTCGCTGAAAAACTCGTA[G>C]GGCAGCTGCTGCGCCTGCATGGTGCCCCCGGGGCGCCTCTGGGCGGGGAGAGGGGCGGCG-3'
Protein context (NP_005624.2, residues 1-17): MQAQQL[Pro7=]YEFFSEENAP

ClinVar aggregate classification (germline): Likely benign. Review status: criteria provided, multiple submitters, no conflicts (2 of 4 stars). 4 submissions from 4 submitters: Likely benign (3). 1 of the submissions does not count toward it. Last evaluated 2026-08-01.

Conditions:
Cardiovascular phenotype. Identifiers: MedGen CN230736.
SOS1-related disorder. Also called: SOS1-related condition.
RASopathy. Also called: rasopathies; Noonan spectrum disorder. Identifiers: Orphanet 536391, MedGen C5555857, MONDO:0021060.

Allele frequency attached by ClinVar (database versions not stated): TOPMed 0.00001.
gnomAD v4.1: 2 of 1,598,578 alleles (0.00013%); highest among the groups gnomAD compares: East Asian, 0.0023%; no homozygotes.

Submissions (4):

CeGaT Center for Human Genetics Tuebingen
Classification: Likely benign. Last evaluated: 2026-08-01. Review status: criteria provided, single submitter. Criteria: CeGaT Center For Human Genetics Tuebingen Variant Classification Criteria Version 2. Collection method: clinical testing. Allele origin: germline. Affected: yes. Observed: 1 variant allele.
Comment: SOS1: BP4, BP7

Ambry Genetics
Classification: Likely benign for Cardiovascular phenotype. Last evaluated: 2024-10-22. Review status: criteria provided, single submitter. Criteria: Ambry Variant Classification Scheme 2023. Collection method: clinical testing. Allele origin: germline.

Labcorp Genetics (formerly Invitae), Labcorp
Classification: Likely benign for RASopathy. Last evaluated: 2024-09-14. Review status: criteria provided, single submitter. Criteria: Invitae Variant Classification Sherloc (09022015). Collection method: clinical testing. Allele origin: germline.

PreventionGenetics, part of Exact Sciences
Classification: Likely benign for SOS1-related condition. Last evaluated: 2023-05-10. Review status: no assertion criteria provided. Collection method: clinical testing. Allele origin: germline. Not counted in ClinVar's aggregate classification.
Comment: This variant is classified as likely benign based on ACMG/AMP sequence variant interpretation guidelines (Richards et al. 2015 PMID: 25741868, with internal and published modifications).